The following is an entry in ClinVar:

NM_000245.4(MET):c.1510G>T (p.Val504Phe)

Gene: MET (MET proto-oncogene, receptor tyrosine kinase; plus strand). Cytogenetic location: 7q31.2.
Variant type: single nucleotide variant.
Coding change: c.1510G>T on transcript NM_000245.4 (MANE Select); coding-DNA position 1510, G replaced by T.
Protein change: p.Val504Phe; replaces valine 504 with phenylalanine.
Molecular consequence: missense variant.
Genome position (GRCh38, 1-based): chr7:116,740,067, G>T. VCF-style: chr7-116740067-G-T. GRCh37 (hg19) VCF-style: chr7-116380121-G-T.
Other names: c.1510G>T, p.Val504Phe (NM_001127500.3, NM_001324401.3); c.220G>T, p.Val74Phe (NM_001324402.2); short protein forms V504F, V74F.
Identifiers: ClinVar variation 135961 (VCV000135961.24), dbSNP rs587780735, ClinGen allele CA332664.

ClinVar aggregate classification (germline): Uncertain significance. Review status: criteria provided, multiple submitters, no conflicts (2 of 4 stars). 6 submissions from 6 submitters: Uncertain significance (6). Last evaluated 2026-01-13.

Conditions:
Arthrogryposis, distal, IIa 11. Also called: Arthrogryposis, distal, type 11. Identifiers: MedGen C5774205, MONDO:0031045, OMIM 620019.
Papillary renal cell carcinoma type 1 (RCCP1). Also called: RENAL CELL CARCINOMA, PAPILLARY, 1, SOMATIC; Renal adenocarcinoma; Renal cell carcinoma 1; Renal cell carcinoma, somatic. Identifiers: Orphanet 47044, MedGen C1336839, OMIM 605074, HP:0011797.
Autosomal recessive nonsyndromic hearing loss 97. Also called: Deafness, autosomal recessive 97. Identifiers: Orphanet 90636, MedGen C4084709, MONDO:0014739, OMIM 616705.
Osteofibrous dysplasia (OSFD). Also called: Tibia, bowing of, with pseudarthrosis and pectus excavatum. Identifiers: Orphanet 488265, MedGen C4085248, MONDO:0011806, OMIM 607278.
Hepatocellular carcinoma (HCC). Also called: HEPATOMA; LIVER CELL CARCINOMA; Primary carcinoma of liver. Identifiers: Orphanet 88673, MedGen C2239176, MONDO:0007256, OMIM 114550, HP:0001402.
Renal cell carcinoma. Identifiers: Orphanet 217071, MedGen C0007134, MeSH D002292, MONDO:0005086, HP:0005584.
Hereditary cancer-predisposing syndrome. Also called: Tumor predisposition; Hereditary neoplastic syndrome; Neoplastic Syndromes, Hereditary; Hereditary Cancer Syndrome. Identifiers: Orphanet 140162, MedGen C0027672, MeSH D009386, MONDO:0015356.

Allele frequency attached by ClinVar (database versions not stated): gnomAD 0.00003; TOPMed 0.00003.
gnomAD v4.1: 56 of 1,613,946 alleles (0.0035%); highest among the groups gnomAD compares: Non-Finnish European, 0.0044%; no homozygotes.

Submissions (6):

Labcorp Genetics (formerly Invitae), Labcorp
Classification: Uncertain significance for Renal cell carcinoma. Last evaluated: 2026-01-13. Review status: criteria provided, single submitter. Criteria: Invitae Variant Classification Sherloc (09022015). Collection method: clinical testing. Allele origin: germline.
Comment: This sequence change replaces valine, which is neutral and non-polar, with phenylalanine, which is neutral and non-polar, at codon 504 of the MET protein (p.Val504Phe). This variant is present in population databases (rs587780735, gnomAD 0.003%). This variant has not been reported in the literature in individuals affected with MET-related conditions. ClinVar contains an entry for this variant (Variation ID: 135961). Invitae Evidence Modeling of protein sequence and biophysical properties (such as structural, functional, and spatial information, amino acid conservation, physicochemical variation, residue mobility, and thermodynamic stability) indicates that this missense variant is not expected to disrupt MET protein function with a negative predictive value of 80%. In summary, the available evidence is currently insufficient to determine the role of this variant in disease. Therefore, it has been classified as a Variant of Uncertain Significance.

Ambry Genetics
Classification: Uncertain significance for Hereditary cancer-predisposing syndrome. Last evaluated: 2025-03-27. Review status: criteria provided, single submitter. Criteria: Ambry Variant Classification Scheme 2023. Collection method: clinical testing. Allele origin: germline.
Comment: The p.V504F variant (also known as c.1510G>T), located in coding exon 3 of the MET gene, results from a G to T substitution at nucleotide position 1510. The valine at codon 504 is replaced by phenylalanine, an amino acid with highly similar properties. This amino acid position is highly conserved in available vertebrate species. In addition, the in silico prediction for this alteration is inconclusive. Since supporting evidence is limited at this time, the clinical significance of this alteration remains unclear.

GeneDx
Classification: Uncertain significance. Last evaluated: 2024-08-07. Review status: criteria provided, single submitter. Criteria: GeneDx Variant Classification Process June 2021. Collection method: clinical testing. Allele origin: germline. Affected: yes.
Comment: Not observed at significant frequency in large population cohorts (gnomAD); In silico analysis indicates that this missense variant does not alter protein structure/function; Has not been previously published as pathogenic or benign to our knowledge; This variant is associated with the following publications: (PMID: 30709382)

Baylor Genetics
Classification: Uncertain significance for Autosomal recessive nonsyndromic hearing loss 97. Last evaluated: 2024-03-11. Review status: criteria provided, single submitter. Criteria: ACMG Guidelines, 2015. Collection method: clinical testing. Allele origin: unknown.

Fulgent Genetics
Classification: Uncertain significance for Hepatocellular carcinoma; Papillary renal cell carcinoma type 1; Osteofibrous dysplasia; Autosomal recessive nonsyndromic hearing loss 97; Arthrogryposis, distal, IIa 11. Last evaluated: 2024-03-07. Review status: criteria provided, single submitter. Criteria: ACMG Guidelines, 2015. Collection method: clinical testing. Allele origin: germline.

Department of Pathology and Laboratory Medicine, Sinai Health System
Classification: Uncertain significance for Hepatocellular carcinoma; Papillary renal cell carcinoma type 1; Osteofibrous dysplasia; Autosomal recessive nonsyndromic hearing loss 97; Arthrogryposis, distal, IIa 11. Last evaluated: 2023-11-21. Review status: criteria provided, single submitter. Criteria: ACMG Guidelines, 2015. Collection method: clinical testing. Allele origin: germline. Affected: yes.